The following is an entry in ClinVar:

ClinVar aggregate classification (germline): Likely benign. Review status: criteria provided, multiple submitters, no conflicts (2 of 4 stars). 2 submissions from 2 submitters: Likely benign (2). Last evaluated 2026-01-15.

Allele frequency attached by ClinVar (database versions not stated): 1000 Genomes Project 30x 0.00016; 1000 Genomes Project 0.00020; TOPMed 0.00067; ESP Exome Variant Server 0.00069; gnomAD exomes 0.00113 and 0.00150; ExAC 0.00135; gnomAD 0.00169 and 0.00177.
gnomAD v4.1: 1,889 of 1,614,072 alleles (0.12%); highest among the groups gnomAD compares: Non-Finnish European, 0.11%; 7 homozygotes.

Submissions (2):

Labcorp Genetics (formerly Invitae), Labcorp
Classification: Likely benign. Last evaluated: 2026-01-15. Review status: criteria provided, single submitter. Criteria: Invitae Variant Classification Sherloc (09022015). Collection method: clinical testing. Allele origin: germline.

CeGaT Center for Human Genetics Tuebingen
Classification: Likely benign. Last evaluated: 2023-02-01. Review status: criteria provided, single submitter. Criteria: CeGaT Center For Human Genetics Tuebingen Variant Classification Criteria Version 2. Collection method: clinical testing. Allele origin: germline. Affected: yes. Observed: 1 variant allele.
Comment: CCDC141: BP4, BS2

NM_173648.4(CCDC141):c.3111A>T (p.Lys1037Asn)

Gene: CCDC141 (coiled-coil domain containing 141; minus strand). Cytogenetic location: 2q31.2.
Variant type: single nucleotide variant.
Coding change: c.3111A>T on transcript NM_173648.4 (MANE Select); coding-DNA position 3111, A replaced by T.
Protein change: p.Lys1037Asn; replaces lysine 1037 with asparagine.
Molecular consequence: missense variant.
Genome position (GRCh38, 1-based): chr2:178,853,574, T>A on the plus strand (A>T on the coding strand, the complement: CCDC141 is on the minus strand). VCF-style: chr2-178853574-T-A. GRCh37 (hg19) VCF-style: chr2-179718301-T-A.
Other names: short protein forms K1037N.
Identifiers: ClinVar variation 722431 (VCV000722431.32), dbSNP rs149198764, ClinGen allele CA2006802.